The following is an entry in ClinVar:

ClinVar aggregate classification (germline): Uncertain significance (1 of 4 stars; one submission).

gnomAD v4.1: 2 of 1,098,137 alleles (0.00018%); highest among the groups gnomAD compares: Non-Finnish European, 0.00024%; no homozygotes.

Submission:

GeneDx
Classification: Uncertain significance. Last evaluated: 2025-02-25. Review status: criteria provided, single submitter. Criteria: GeneDx Variant Classification Process June 2021. Collection method: clinical testing. Allele origin: germline. Affected: yes.
Comment: Not observed at significant frequency in large population cohorts (gnomAD); In silico analysis supports that this missense variant has a deleterious effect on protein structure/function; Has not been previously published as pathogenic or benign to our knowledge

NM_006950.3(SYN1):c.1397G>A (p.Gly466Asp)

Gene: SYN1 (synapsin I; minus strand). Cytogenetic location: Xp11.3.
Variant type: single nucleotide variant.
Coding change: c.1397G>A on transcript NM_006950.3 (MANE Select); coding-DNA position 1397, G replaced by A.
Protein change: p.Gly466Asp; replaces glycine 466 with aspartic acid.
Molecular consequence: missense variant.
Genome position (GRCh38, 1-based): chrX:47,574,587, C>T on the plus strand (G>A on the coding strand, the complement: SYN1 is on the minus strand). VCF-style: chrX-47574587-C-T. GRCh37 (hg19) VCF-style: chrX-47433986-C-T.
Other names: c.1397G>A, p.Gly466Asp (NM_133499.2); short protein forms G466D.
Identifiers: ClinVar variation 4076795 (VCV004076795.1).